The following is an entry in ClinVar:

NM_001370259.2(MEN1):c.1431A>T (p.Glu477Asp)

Gene: MEN1 (menin 1; minus strand). Cytogenetic location: 11q13.1.
Variant type: single nucleotide variant.
Coding change: c.1431A>T on transcript NM_001370259.2 (MANE Select); coding-DNA position 1431, A replaced by T.
Protein change: p.Glu477Asp; replaces glutamic acid 477 with aspartic acid.
Molecular consequence: missense variant.
Genome position (GRCh38, 1-based): chr11:64,804,736, T>A on the plus strand (A>T on the coding strand, the complement: MEN1 is on the minus strand). VCF-style: chr11-64804736-T-A. GRCh37 (hg19) VCF-style: chr11-64572208-T-A.
Other names: c.1446A>T, p.Glu482Asp (NM_000244.4, NM_130800.3, NM_130801.3 and 3 more transcripts); c.1557A>T, p.Glu519Asp (NM_001370251.2); c.1431A>T, p.Glu477Asp (NM_001370260.2, NM_001370261.2, NM_130799.3); c.1326A>T, p.Glu442Asp (NM_001370262.2, NM_001370263.2); short protein forms E477D, E482D, E442D, E519D.
Identifiers: ClinVar variation 216816 (VCV000216816.7), dbSNP rs863224811, ClinGen allele CA337096.

ClinVar aggregate classification (germline): Uncertain significance. Review status: criteria provided, multiple submitters, no conflicts (2 of 4 stars). 3 submissions from 3 submitters: Uncertain significance (3). Last evaluated 2025-10-01.

Conditions:
Hereditary cancer-predisposing syndrome. Also called: Tumor predisposition; Hereditary Cancer Syndrome; Neoplastic Syndromes, Hereditary; Hereditary neoplastic syndrome. Identifiers: Orphanet 140162, MedGen C0027672, MeSH D009386, MONDO:0015356.
Multiple endocrine neoplasia, type 1 (MEN1). Also called: Endocrine adenomatosis multiple; MEN 1; MEN I; WERMER SYNDROME; MEA I. Identifiers: Orphanet 652, MedGen C0025267, MeSH D018761, MONDO:0007540, OMIM 131100.

gnomAD v4.1: 1 of 1,596,964 alleles (0.000063%); highest among the groups gnomAD compares: Non-Finnish European, 0.000085%; no homozygotes.

Submissions (3):

Labcorp Genetics (formerly Invitae), Labcorp
Classification: Uncertain significance for Multiple endocrine neoplasia, type 1. Last evaluated: 2025-10-01. Review status: criteria provided, single submitter. Criteria: Invitae Variant Classification Sherloc (09022015). Collection method: clinical testing. Allele origin: germline.
Comment: This sequence change replaces glutamic acid, which is acidic and polar, with aspartic acid, which is acidic and polar, at codon 477 of the MEN1 protein (p.Glu477Asp). This variant is not present in population databases (gnomAD no frequency). This variant has not been reported in the literature in individuals affected with MEN1-related conditions. ClinVar contains an entry for this variant (Variation ID: 216816). Invitae Evidence Modeling of protein sequence and biophysical properties (such as structural, functional, and spatial information, amino acid conservation, physicochemical variation, residue mobility, and thermodynamic stability) has been performed for this missense variant. However, the output from this modeling did not meet the statistical confidence thresholds required to predict the impact of this variant on MEN1 protein function. In summary, the available evidence is currently insufficient to determine the role of this variant in disease. Therefore, it has been classified as a Variant of Uncertain Significance.

All of Us Research Program, National Institutes of Health
Classification: Uncertain significance for Multiple endocrine neoplasia, type 1. Last evaluated: 2023-12-13. Review status: criteria provided, single submitter. Criteria: ACMG Guidelines, 2015. Collection method: clinical testing. Allele origin: germline. Inheritance: Autosomal dominant inheritance. Observed: 1 variant allele, 1 heterozygote.
Comment: This missense variant replaces glutamic acid with aspartic acid at codon 477 of the MEN1 protein. Computational prediction suggests that this variant may not impact protein structure and function (internally defined REVEL score threshold <= 0.5, PMID: 27666373). To our knowledge, functional studies have not been reported for this variant. This variant has not been reported in individuals affected with MEN1-related disorders in the literature. This variant has not been identified in the general population by the Genome Aggregation Database (gnomAD). The available evidence is insufficient to determine the role of this variant in disease conclusively. Therefore, this variant is classified as a Variant of Uncertain Significance.

This study involves interpretation of variants in research participants for the purpose of population health screening. Participant phenotype was not available at the time of variant classification. Additional details can be found in publication PMID: 35346344, PMCID: PMC8962531

Ambry Genetics
Classification: Uncertain significance for Hereditary cancer-predisposing syndrome. Last evaluated: 2023-06-15. Review status: criteria provided, single submitter. Criteria: Ambry Variant Classification Scheme 2023. Collection method: clinical testing. Allele origin: germline.
Comment: The p.E477D variant (also known as c.1431A>T), located in coding exon 9 of the MEN1 gene, results from an A to T substitution at nucleotide position 1431. The glutamic acid at codon 477 is replaced by aspartic acid, an amino acid with highly similar properties. This amino acid position is conserved. In addition, the in silico prediction for this alteration is inconclusive. Since supporting evidence is limited at this time, the clinical significance of this alteration remains unclear.